The following is an entry in ClinVar:

ClinVar aggregate classification (germline): Conflicting classifications of pathogenicity. Review status: criteria provided, conflicting classifications (1 of 4 stars). 5 submissions from 5 submitters: Uncertain significance (3); Likely benign (2). Last evaluated 2025-01-28.

Conditions:
Deficiency of iodide peroxidase (TDH2A). Also called: THYROID HORMONOGENESIS, GENETIC DEFECT IN, 2A; THYROID PEROXIDASE DEFICIENCY; HYPOTHYROIDISM, CONGENITAL, DUE TO DYSHORMONOGENESIS, 2A; IODIDE PEROXIDASE DEFICIENCY; Thyroid dyshormonogenesis 2A. Identifiers: Orphanet 95716, MedGen C1291299, MONDO:0010133, OMIM 274500.

Allele frequency attached by ClinVar (database versions not stated): ESP Exome Variant Server 0.00008; TOPMed 0.00012; gnomAD 0.00023 and 0.00024; ExAC 0.00027; gnomAD exomes 0.00029 and 0.00034.
gnomAD v4.1: 459 of 1,613,796 alleles (0.028%); highest among the groups gnomAD compares: Non-Finnish European, 0.024%; no homozygotes.

Submissions (5):

Women's Health and Genetics/Laboratory Corporation of America, LabCorp
Classification: Uncertain significance. Last evaluated: 2025-01-28. Review status: criteria provided, single submitter. Criteria: LabCorp Variant Classification Summary - May 2015. Collection method: clinical testing. Allele origin: germline.
Comment: Variant summary: TPO c.2524G>A (p.Gly842Arg) results in a non-conservative amino acid change in the encoded protein sequence. Three of five in-silico tools predict a benign effect of the variant on protein function. The variant allele was found at a frequency of 0.00028 in 1613796 control chromosomes. This frequency is not significantly higher than estimated for a pathogenic variant in TPO causing Deficiency Of Iodide Peroxidase (0.00028 vs 0.0071), allowing no conclusion about variant significance. To our knowledge, no occurrence of c.2524G>A in individuals affected with Deficiency Of Iodide Peroxidase and no experimental evidence demonstrating its impact on protein function have been reported. ClinVar contains an entry for this variant (Variation ID: 331395). Based on the evidence outlined above, the variant was classified as uncertain significance.

Blueprint Genetics
Classification: Likely benign. Last evaluated: 2024-08-30. Review status: criteria provided, single submitter. Criteria: ACMG Guidelines, 2015. Collection method: clinical testing. Allele origin: germline.

Labcorp Genetics (formerly Invitae), Labcorp
Classification: Likely benign. Last evaluated: 2024-03-19. Review status: criteria provided, single submitter. Criteria: Invitae Variant Classification Sherloc (09022015). Collection method: clinical testing. Allele origin: germline.

CeGaT Center for Human Genetics Tuebingen
Classification: Uncertain significance. Last evaluated: 2023-03-01. Review status: criteria provided, single submitter. Criteria: CeGaT Center For Human Genetics Tuebingen Variant Classification Criteria Version 2. Collection method: clinical testing. Allele origin: germline. Affected: yes. Observed: 1 variant allele.
Comment: TPO: PM2:Supporting

Illumina Laboratory Services, Illumina
Classification: Uncertain significance for Deficiency of iodide peroxidase. Last evaluated: 2018-01-13. Review status: criteria provided, single submitter. Criteria: ICSL Variant Classification Criteria 13 December 2019. Collection method: clinical testing. Allele origin: germline.

NM_001206744.2(TPO):c.2524G>A (p.Gly842Arg)

Genes: LALTOP (lung cancer associated lncRNA targeting TOP2A; minus strand), TPO (thyroid peroxidase; plus strand). Cytogenetic location: 2p25.3.
Variant type: single nucleotide variant.
Coding change: c.2524G>A on transcript NM_001206744.2 (MANE Select); coding-DNA position 2524, G replaced by A.
Protein change: p.Gly842Arg; replaces glycine 842 with arginine.
Molecular consequence: missense variant.
Genome position (GRCh38, 1-based): chr2:1,516,888, G>A. VCF-style: chr2-1516888-G-A. GRCh37 (hg19) VCF-style: chr2-1520660-G-A.
Other names: c.2524G>A, p.Gly842Arg (NM_000547.6); c.2353G>A, p.Gly785Arg (NM_001206745.2, NM_175719.4); c.2392G>A, p.Gly798Arg (NM_175721.3); c.2005G>A, p.Gly669Arg (NM_175722.3); short protein forms G842R, G785R, G669R, G798R.
Identifiers: ClinVar variation 331395 (VCV000331395.38), dbSNP rs201659055, ClinGen allele CA1512178.
Genomic context (GRCh38, chr2:1,516,888, plus strand): 5'-TGGCTTGCCCAGGCCCTGGAAGGTTCTTCTAACCAGGCCTCTTTCTGTGCCCCAGACTCC[G>A]GGAGGCTCCCTCGGGTGACTTGGATCTCCATGTCGCTGGCTGCTCTGCTGATCGGAGGCT-3'
Protein context (NP_001193673.1, residues 832-852): GDDGRTCVDS[Gly842Arg]RLPRVTWISM